The following is an entry in ClinVar:

ClinVar aggregate classification (germline): Uncertain significance (1 of 4 stars; one submission).

Conditions:
Colorectal cancer, hereditary nonpolyposis, type 7. Identifiers: Orphanet 144, MedGen C1858380, MONDO:0013725, OMIM 614385.

Allele frequency attached by ClinVar (database versions not stated): gnomAD exomes below 0.00001.

Submission:

Labcorp Genetics (formerly Invitae), Labcorp
Classification: Uncertain significance for Colorectal cancer, hereditary nonpolyposis, type 7. Last evaluated: 2022-02-02. Review status: criteria provided, single submitter. Criteria: Invitae Variant Classification Sherloc (09022015). Collection method: clinical testing. Allele origin: germline.
Comment: In summary, the available evidence is currently insufficient to determine the role of this variant in disease. Therefore, it has been classified as a Variant of Uncertain Significance. Algorithms developed to predict the effect of missense changes on protein structure and function are either unavailable or do not agree on the potential impact of this missense change (SIFT: "Deleterious"; PolyPhen-2: "Benign"; Align-GVGD: "Class C0"). This variant has not been reported in the literature in individuals affected with MLH3-related conditions. This variant is not present in population databases (gnomAD no frequency). This sequence change replaces methionine, which is neutral and non-polar, with valine, which is neutral and non-polar, at codon 1425 of the MLH3 protein (p.Met1425Val).

NM_001040108.2(MLH3):c.4273A>G (p.Met1425Val)

Gene: MLH3 (mutL homolog 3; minus strand). Cytogenetic location: 14q24.3.
Variant type: single nucleotide variant.
Coding change: c.4273A>G on transcript NM_001040108.2 (MANE Select); coding-DNA position 4273, A replaced by G.
Protein change: p.Met1425Val; replaces methionine 1425 with valine.
Molecular consequence: missense variant.
Genome position (GRCh38, 1-based): chr14:75,017,171, T>C on the plus strand (A>G on the coding strand, the complement: MLH3 is on the minus strand). VCF-style: chr14-75017171-T-C. GRCh37 (hg19) VCF-style: chr14-75483874-T-C.
Other names: c.4201A>G, p.Met1401Val (NM_014381.3); short protein forms M1425V, M1401V.
Identifiers: ClinVar variation 2091956 (VCV002091956.4), dbSNP rs2503033077, ClinGen allele CA390418093.
Genomic context (GRCh38, chr14:75,017,171, plus strand): 5'-GCTGCAGGCTCTGCCTTGTATCACACTCTGCTTTTCCAAAGAGACGCCAGGCCTGGGCCA[T>C]TTTGCGAAGTTTAGTGAGGTTGGGTTTAATCTATGGGAAGAAAGAATAACTTCAATTAGC-3'
Protein context (NP_001035197.1, residues 1415-1435): IKPNLTKLRK[Met1425Val]AQAWRLFGKA